The following is an entry in ClinVar:

ClinVar aggregate classification (germline): Pathogenic (1 of 4 stars; one submission).

Submission:

GeneDx
Classification: Pathogenic. Last evaluated: 2018-12-21. Review status: criteria provided, single submitter. Criteria: GeneDx Variant Classification (06012015). Collection method: clinical testing. Allele origin: germline. Affected: yes.
Comment: The c.3779delC variant in the EVC2 gene has not been reported previously as a pathogenic variant nor as a benign variant, to our knowledge. This variant causes a frameshift starting with codon Alanine 1260, changes this amino acid to a Glutamic acid residue, and creates a premature Stop codon at position 7 of the new reading frame, denoted p.Ala1260GlufsX7. The c.3779delC variant is predicted to cause loss of normal protein function through protein truncation. This variant is not observed in large population cohorts (Lek et al., 2016). We interpret c.3779delC as a pathogenic variant.

NM_147127.5(EVC2):c.3779del (p.Ala1260fs)

Gene: EVC2 (EvC ciliary complex subunit 2; minus strand). Cytogenetic location: 4p16.2.
Variant type: Deletion.
Coding change: c.3779del on transcript NM_147127.5 (MANE Select); coding-DNA position 3779, one base deleted (C; older notation c.3779delC).
Protein change: p.Ala1260fs; shifts the reading frame from alanine 1260.
Molecular consequence: frameshift variant.
Genome position (GRCh38, 1-based): chr4:5,562,996, G deleted on the plus strand (C on the coding strand, the reverse complement: EVC2 is on the minus strand). VCF-style (leftmost placement, unchanged base first): chr4-5562995-TG-T. GRCh37 (hg19) VCF-style: chr4-5564722-TG-T.
Other names: c.3539del, p.Ala1180fs (NM_001166136.2); short protein forms A1260fs, A1180fs.
Identifiers: ClinVar variation 817357 (VCV000817357.1), dbSNP rs1577093203, ClinGen allele CA915944119.